The following is an entry in ClinVar:

NM_001368894.2(PAX6):c.122_123insGCGG (p.Asp41fs)

Gene: PAX6 (paired box 6; minus strand). Cytogenetic location: 11p13.
Variant type: Insertion.
Coding change: c.122_123insGCGG on transcript NM_001368894.2 (MANE Select); coding-DNA positions 122 to 123, GCGG inserted.
Protein change: p.Asp41fs; shifts the reading frame from aspartic acid 41.
Molecular consequence: frameshift variant. On other transcripts: 5 prime UTR variant (12), non-coding transcript variant (2), intron variant (2).
Genome position: GRCh38 VCF-style: chr11-31802722-G-GCCGC. GRCh37 (hg19) VCF-style: chr11-31824270-G-GCCGC.
Other names: c.122_123insGCGG, p.Asp41fs (NM_000280.6, NM_001127612.3, NM_001258462.3 and 30 more transcripts); c.-660_-659insGCGG (NM_001310160.2, NM_001368905.2); c.-329_-328insGCGG (NM_001310161.3, NM_001368900.2, NM_001368903.2 and 2 more transcripts); c.-287_-286insGCGG (NM_001368899.2, NM_001368901.2, NM_001368906.2 and 1 more transcripts); c.-618_-617insGCGG (NM_001368902.2); c.365_366insGCGG, p.Asp122fs (NM_001368910.2); c.125_126insGCGG, p.Asp42fs (NM_001368911.2); c.-267-947_-267-946insGCGG (NM_001368909.2, NM_001368904.2); short protein forms D42fs, D122fs, D41fs.
Identifiers: ClinVar variation 4785962 (VCV004785962.1).

ClinVar aggregate classification (germline): Pathogenic (1 of 4 stars; one submission).

Conditions:
Aniridia 1 (AN1). Identifiers: Orphanet 250923, MedGen C0344542, MONDO:0024507, OMIM 106210.
Irido-corneo-trabecular dysgenesis (ASGD5). Also called: ANTERIOR SEGMENT DYSGENESIS 5. Identifiers: Orphanet 708, MedGen C0344559, MONDO:0011414, OMIM 604229, HP:0000659.

Submission:

Labcorp Genetics (formerly Invitae), Labcorp
Classification: Pathogenic for Aniridia 1; Irido-corneo-trabecular dysgenesis. Last evaluated: 2025-09-30. Review status: criteria provided, single submitter. Criteria: Invitae Variant Classification Sherloc (09022015). Collection method: clinical testing. Allele origin: germline.
Comment: This sequence change creates a premature translational stop signal (p.Asp41Glufs*16) in the PAX6 gene. It is expected to result in an absent or disrupted protein product. Loss-of-function variants in PAX6 are known to be pathogenic (PMID: 12634864). This variant is not present in population databases (gnomAD no frequency). This variant has not been reported in the literature in individuals affected with PAX6-related conditions. For these reasons, this variant has been classified as Pathogenic.

Literature cited by the submitters: PubMed 12634864.